The following is an entry in ClinVar:

NM_001379500.1(COL18A1):c.1147C>T (p.Gln383Ter)

Gene: COL18A1 (collagen type XVIII alpha 1 chain; plus strand). Cytogenetic location: 21q22.3.
Variant type: single nucleotide variant.
Coding change: c.1147C>T on transcript NM_001379500.1 (MANE Select); coding-DNA position 1147, C replaced by T.
Protein change: p.Gln383Ter; replaces glutamine 383 with a stop codon.
Molecular consequence: nonsense.
Genome position (GRCh38, 1-based): chr21:45,477,891, C>T. VCF-style: chr21-45477891-C-T. GRCh37 (hg19) VCF-style: chr21-46897805-C-T.
Other names: c.1687C>T, p.Gln563Ter (NM_030582.4); c.2392C>T, p.Gln798Ter (NM_130444.3); short protein forms Q383*, Q798*, Q563*.
Identifiers: ClinVar variation 2100310 (VCV002100310.4), dbSNP rs2145925061, ClinGen allele CA410515567.
Genomic context (GRCh38, chr21:45,477,891, plus strand): 5'-CCTGGTCCCCCGGGTCTCCCGTGCCCAGTGAGTCCCCTGGGTCCTGCAGGCCCAGCGTTG[C>T]AAACTGTCCCCGGACCACAAGGACCCCCAGGGCCTCCGGGGAGGGACGGCACCCCTGGAA-3'

ClinVar aggregate classification (germline): Pathogenic (1 of 4 stars; one submission).

Submission:

Labcorp Genetics (formerly Invitae), Labcorp
Classification: Pathogenic. Last evaluated: 2024-01-22. Review status: criteria provided, single submitter. Criteria: Invitae Variant Classification Sherloc (09022015). Collection method: clinical testing. Allele origin: germline.
Comment: This sequence change creates a premature translational stop signal (p.Gln383*) in the COL18A1 gene. It is expected to result in an absent or disrupted protein product. Loss-of-function variants in COL18A1 are known to be pathogenic (PMID: 12415512, 25456301). This variant is not present in population databases (gnomAD no frequency). This variant has not been reported in the literature in individuals affected with COL18A1-related conditions. ClinVar contains an entry for this variant (Variation ID: 2100310). For these reasons, this variant has been classified as Pathogenic.

Literature cited by the submitters: PubMed 12415512; PubMed 25456301.